The following is an entry in ClinVar:

NM_001875.5(CPS1):c.773G>A (p.Gly258Glu)

Gene: CPS1 (carbamoyl-phosphate synthase 1; plus strand). Cytogenetic location: 2q34.
Variant type: single nucleotide variant.
Coding change: c.773G>A on transcript NM_001875.5 (MANE Select); coding-DNA position 773, G replaced by A.
Protein change: p.Gly258Glu; replaces glycine 258 with glutamic acid.
Molecular consequence: missense variant. On other transcripts: non-coding transcript variant (1).
Genome position (GRCh38, 1-based): chr2:210,590,167, G>A. VCF-style: chr2-210590167-G-A. GRCh37 (hg19) VCF-style: chr2-211454891-G-A.
Other names: c.773G>A, p.Gly258Glu (NM_001122633.3, NM_001369257.1); c.806G>A, p.Gly269Glu (NM_001369256.1); short protein forms G258E, G269E.
Identifiers: ClinVar variation 3902693 (VCV003902693.1).

ClinVar aggregate classification (germline): Uncertain significance (1 of 4 stars; one submission).

Submission:

Women's Health and Genetics/Laboratory Corporation of America, LabCorp
Classification: Uncertain significance. Last evaluated: 2025-05-27. Review status: criteria provided, single submitter. Criteria: LabCorp Variant Classification Summary - May 2015. Collection method: clinical testing. Allele origin: germline.
Comment: Variant summary: CPS1 c.773G>A (p.Gly258Glu) results in a non-conservative amino acid change in the encoded protein sequence. Algorithms developed to predict the effect of missense changes on protein structure and function all suggest that this variant is likely to be disruptive. The variant was absent in 251088 control chromosomes. The available data on variant occurrences in the general population are insufficient to allow any conclusion about variant significance. c.773G>A has been observed in individual(s) affected with Carbamoylphosphate Synthetase I Deficiency (Haberle_2011). These report(s) do not provide unequivocal conclusions about association of the variant with Carbamoylphosphate Synthetase I Deficiency. To our knowledge, no experimental evidence demonstrating an impact on protein function has been reported. The following publication has been ascertained in the context of this evaluation (PMID: 21120950). No submitters have cited clinical-significance assessments for this variant to ClinVar. Based on the evidence outlined above, the variant was classified as uncertain significance.

Literature cited by the submitters: PubMed 21120950.